The following is an entry in ClinVar:

NM_000089.4(COL1A2):c.784G>C (p.Gly262Arg)

Gene: COL1A2 (collagen type I alpha 2 chain; plus strand). Cytogenetic location: 7q21.3.
Variant type: single nucleotide variant.
Coding change: c.784G>C on transcript NM_000089.4 (MANE Select); coding-DNA position 784, G replaced by C.
Protein change: p.Gly262Arg; replaces glycine 262 with arginine.
Molecular consequence: missense variant.
Genome position (GRCh38, 1-based): chr7:94,408,815, G>C. VCF-style: chr7-94408815-G-C. GRCh37 (hg19) VCF-style: chr7-94038127-G-C.
Other names: short protein forms G262R.
Identifiers: ClinVar variation 456844 (VCV000456844.11), dbSNP rs1554395970, ClinGen allele CA368220513.

ClinVar aggregate classification (germline): Likely pathogenic. Review status: criteria provided, multiple submitters, no conflicts (2 of 4 stars). 2 submissions from 2 submitters: Likely pathogenic (2). Last evaluated 2021-06-08.

Conditions:
Osteogenesis imperfecta with normal sclerae, dominant form (OI4). Also called: OSTEOGENESIS IMPERFECTA WITH NORMAL SCLERAE; OSTEOGENESIS IMPERFECTA, TYPE IV, WITH DENTINOGENESIS IMPERFECTA; Common Variable Osteogenesis Imperfecta with Normal Sclerae; Osteogenesis Imperfecta Type IV; Osteogenesis imperfecta type 4. Identifiers: Orphanet 216820, Orphanet 666, MedGen C0268363, MONDO:0008148, OMIM 166220.
Ehlers-Danlos syndrome, classic type, 1 (EDSCL1). Also called: EHLERS-DANLOS SYNDROME, GRAVIS TYPE; EHLERS-DANLOS SYNDROME, SEVERE CLASSIC TYPE; EDS I; Ehlers-Danlos Syndrome, Classic Type, COL5A1-Related; Ehlers-Danlos syndrome, type 1. Identifiers: MedGen C0268335, MONDO:0019567, OMIM 130000.
Osteogenesis imperfecta type I (OI1). Also called: OI, TYPE I; OSTEOGENESIS IMPERFECTA TARDA; OSTEOGENESIS IMPERFECTA WITH BLUE SCLERAE; Classic Non-deforming Osteogenesis Imperfecta with Blue Sclerae; Lobstein disease; Osteogenesis imperfecta type 1. Identifiers: Orphanet 216796, Orphanet 666, MedGen C0023931, MONDO:0008146, OMIM 166200. Disease mechanism: loss of function.

Submissions (2):

Laboratorio de Genetica e Diagnostico Molecular, Hospital Israelita Albert Einstein
Classification: Likely pathogenic for Osteogenesis imperfecta with normal sclerae, dominant form. Last evaluated: 2021-06-08. Review status: criteria provided, single submitter. Criteria: ACMG Guidelines, 2015. Collection method: clinical testing. Allele origin: germline. Affected: yes.

Labcorp Genetics (formerly Invitae), Labcorp
Classification: Likely pathogenic for Osteogenesis imperfecta type I; Ehlers-Danlos syndrome, classic type, 1. Last evaluated: 2017-02-20. Review status: criteria provided, single submitter. Criteria: Invitae Variant Classification Sherloc (09022015). Collection method: clinical testing. Allele origin: germline.
Comment: Glycine residues within the Gly-Xaa-Yaa repeats of the triple helix domain are required for the structure and stability of fibrillar collagens (PMID: 7695699, 8218237, 19344236). In COL1A2, missense variants at these glycine residues are significantly enriched in individuals with disease (PMID: 9016532, 17078022) compared to the general population (ExAC). This variant is not present in population databases (ExAC no frequency) and has not been reported in the literature in individuals with a COL1A2-related disease. This sequence change replaces glycine with arginine at codon 262 of the COL1A2 protein (p.Gly262Arg). The glycine residue is highly conserved and there is a moderate physicochemical difference between glycine and arginine. In summary, this variant is a novel missense change affecting a residue that is known to be critical for normal protein structure, stability, and function. This type of missense change is also highly enriched in affected individuals and is expected to be pathogenic. However, without additional functional and/or genetic data, this variant has been classified as Likely Pathogenic.

Literature cited by the submitters: PubMed 7695699 (cited by Labcorp Genetics (formerly Invitae), Labcorp); PubMed 8218237 (cited by Labcorp Genetics (formerly Invitae), Labcorp); PubMed 19344236 (cited by Labcorp Genetics (formerly Invitae), Labcorp); PubMed 9016532 (cited by Labcorp Genetics (formerly Invitae), Labcorp); PubMed 17078022 (cited by Labcorp Genetics (formerly Invitae), Labcorp).